The following is an entry in ClinVar:

NM_033118.4(MYLK2):c.622G>A (p.Gly208Arg)

Gene: MYLK2 (myosin light chain kinase 2; plus strand). Cytogenetic location: 20q11.21.
Variant type: single nucleotide variant.
Coding change: c.622G>A on transcript NM_033118.4 (MANE Select); coding-DNA position 622, G replaced by A.
Protein change: p.Gly208Arg; replaces glycine 208 with arginine.
Molecular consequence: missense variant.
Genome position (GRCh38, 1-based): chr20:31,821,587, G>A. VCF-style: chr20-31821587-G-A. GRCh37 (hg19) VCF-style: chr20-30409390-G-A.
Other names: short protein forms G208R.
Identifiers: ClinVar variation 3667659 (VCV003667659.2).

ClinVar aggregate classification (germline): Uncertain significance (1 of 4 stars; one submission).

Conditions:
Hypertrophic cardiomyopathy 1 (CMH1). Also called: Familial hypertrophic cardiomyopathy 1; MYH7-Related Familial Hypertrophic Cardiomyopathy. Identifiers: MedGen C3495498, MONDO:0008647, OMIM 192600.

gnomAD v4.1: 1 of 1,614,118 alleles (0.000062%); highest among the groups gnomAD compares: South Asian, 0.0011%; no homozygotes.

Submission:

Labcorp Genetics (formerly Invitae), Labcorp
Classification: Uncertain significance for Hypertrophic cardiomyopathy 1. Last evaluated: 2024-10-01. Review status: criteria provided, single submitter. Criteria: Invitae Variant Classification Sherloc (09022015). Collection method: clinical testing. Allele origin: germline.
Comment: This sequence change replaces glycine, which is neutral and non-polar, with arginine, which is basic and polar, at codon 208 of the MYLK2 protein (p.Gly208Arg). The frequency data for this variant in the population databases is considered unreliable, as metrics indicate poor data quality at this position in the gnomAD database. This variant has not been reported in the literature in individuals affected with MYLK2-related conditions. Invitae Evidence Modeling of protein sequence and biophysical properties (such as structural, functional, and spatial information, amino acid conservation, physicochemical variation, residue mobility, and thermodynamic stability) indicates that this missense variant is not expected to disrupt MYLK2 protein function with a negative predictive value of 80%. In summary, the available evidence is currently insufficient to determine the role of this variant in disease. Therefore, it has been classified as a Variant of Uncertain Significance.